The following is an entry in ClinVar:

NM_005560.6(LAMA5):c.10735-3_10735-2insCCCTTCCTACCCCT

Gene: LAMA5 (laminin subunit alpha 5; minus strand). Cytogenetic location: 20q13.33.
Variant type: Insertion.
Coding change: c.10735-3_10735-2insCCCTTCCTACCCCT on transcript NM_005560.6 (MANE Select); 3 bases into the intron before coding-DNA position 10735 through the canonical splice acceptor site of the intron before coding-DNA position 10735, CCCTTCCTACCCCT inserted.
Molecular consequence: intron variant.
Genome position: GRCh38 VCF-style: chr20-62310083-T-TGGAGGGGTAGGAAG. GRCh37 (hg19) VCF-style: chr20-60885139-T-TGGAGGGGTAGGAAG.
Identifiers: ClinVar variation 809261 (VCV000809261.47), dbSNP rs762469320, ClinGen allele CA9939639.

ClinVar aggregate classification (germline): Likely benign. Review status: criteria provided, multiple submitters, no conflicts (2 of 4 stars). 2 submissions from 2 submitters: Likely benign (2). Last evaluated 2026-08-01.

Submissions (2):

CeGaT Center for Human Genetics Tuebingen
Classification: Likely benign. Last evaluated: 2026-08-01. Review status: criteria provided, single submitter. Criteria: CeGaT Center For Human Genetics Tuebingen Variant Classification Criteria Version 2. Collection method: clinical testing. Allele origin: germline. Affected: yes. Observed: 3 variant alleles.
Comment: LAMA5: BS2

Labcorp Genetics (formerly Invitae), Labcorp
Classification: Likely benign. Last evaluated: 2026-01-08. Review status: criteria provided, single submitter. Criteria: Invitae Variant Classification Sherloc (09022015). Collection method: clinical testing. Allele origin: germline.